The following is an entry in ClinVar:

NM_002971.6(SATB1):c.1779+680G>A

Gene: SATB1 (SATB homeobox 1; minus strand). Cytogenetic location: 3p24.3.
Variant type: single nucleotide variant.
Coding change: c.1779+680G>A on transcript NM_002971.6 (MANE Select); 680 bases into the intron after coding-DNA position 1779, G replaced by A.
Molecular consequence: intron variant. On other transcripts: splice donor variant (2).
Genome position (GRCh38, 1-based): chr3:18,351,312, C>T on the plus strand (G>A on the coding strand, the complement: SATB1 is on the minus strand). VCF-style: chr3-18351312-C-T. GRCh37 (hg19) VCF-style: chr3-18392804-C-T.
Other names: c.1779+680G>A (NM_001322874.2, NM_001322872.2, NM_001322873.2 and 2 more transcripts); c.1563+680G>A (NM_001322876.2); c.1875+1G>A (NM_001322871.2, NM_001195470.3).
Identifiers: ClinVar variation 1341521 (VCV001341521.27), dbSNP rs1455981520, ClinGen allele CA351854232.

ClinVar aggregate classification (germline): Conflicting classifications of pathogenicity. Review status: criteria provided, conflicting classifications (1 of 4 stars). 2 submissions from 2 submitters: Likely pathogenic (1); Uncertain significance (1). Last evaluated 2023-02-01.

Conditions:
Kohlschutter-Tonz syndrome-like. Also called: DEN HOED-DE BOER-VOISIN SYNDROME. Identifiers: MedGen C5543202, MONDO:0030990, OMIM 619229.

Allele frequency attached by ClinVar (database versions not stated): gnomAD 0.00001; gnomAD exomes 0.00001.
gnomAD v4.1: 4 of 1,542,628 alleles (0.00026%); highest among the groups gnomAD compares: Non-Finnish European, 0.00035%; no homozygotes.

Submissions (2):

CeGaT Center for Human Genetics Tuebingen
Classification: Uncertain significance. Last evaluated: 2023-02-01. Review status: criteria provided, single submitter. Criteria: CeGaT Center For Human Genetics Tuebingen Variant Classification Criteria Version 2. Collection method: clinical testing. Allele origin: germline. Affected: yes. Observed: 1 variant allele.
Comment: SATB1: PM2

Dasa
Classification: Likely pathogenic for Kohlschutter-Tonz syndrome-like. Last evaluated: 2022-02-14. Review status: criteria provided, single submitter. Criteria: ACMG Guidelines, 2015. Collection method: clinical testing. Allele origin: germline. Affected: yes. Observed: 1 variant allele.
Comment: The c.1875+1G>A;p.(?) is a null frameshift variant in the SATB1 gene and predicts alteration of the nonsense-mediate decay - NMD is present in a relevant exon to the transcript -PVS1_strong. This variant is not present in population databases (rs1455981520, gnomAD; ABraOM no frequency) - PM2. In summary, the currently available evidence indicates that the variant is likely pathogenic.